The following is an entry in ClinVar:

ClinVar aggregate classification (germline): Uncertain significance (1 of 4 stars; one submission).

Conditions:
Inborn genetic diseases. Identifiers: MedGen C0950123, MeSH D030342.

Submission:

Ambry Genetics
Classification: Uncertain significance for Inborn genetic diseases. Last evaluated: 2025-11-23. Review status: criteria provided, single submitter. Criteria: Ambry Variant Classification Scheme 2023. Collection method: clinical testing. Allele origin: germline.
Comment: The p.P80R variant (also known as c.239C>G), located in coding exon 4 of the RECQL4 gene, results from a C to G substitution at nucleotide position 239. The proline at codon 80 is replaced by arginine, an amino acid with dissimilar properties. This amino acid position is conserved. In addition, this alteration is predicted to be tolerated by in silico analysis. Based on the available evidence, the clinical significance of this variant remains unclear.

NM_004260.4(RECQL4):c.239C>G (p.Pro80Arg)

Gene: RECQL4 (RecQ like helicase 4; minus strand). Cytogenetic location: 8q24.3.
Variant type: single nucleotide variant.
Coding change: c.239C>G on transcript NM_004260.4 (MANE Select); coding-DNA position 239, C replaced by G.
Protein change: p.Pro80Arg; replaces proline 80 with arginine.
Molecular consequence: missense variant. On other transcripts: 5 prime UTR variant (17), non-coding transcript variant (3).
Genome position (GRCh38, 1-based): chr8:144,517,165, G>C on the plus strand (C>G on the coding strand, the complement: RECQL4 is on the minus strand). VCF-style: chr8-144517165-G-C. GRCh37 (hg19) VCF-style: chr8-145742549-G-C.
Other names: c.239C>G, p.Pro80Arg (NM_001413033.1, NM_001413036.1, NM_001413039.1 and 5 more transcripts); c.-737C>G (NM_001413034.1); c.-730C>G (NM_001413035.1, NM_001413024.1); c.-833C>G (NM_001413037.1, NM_001413038.1, NM_001413040.1 and 3 more transcripts); c.-895C>G (NM_001413041.1, NM_001413027.1, NM_001413030.1 and 1 more transcripts); c.-1102C>G (NM_001413043.1); c.-482C>G (NM_001413021.1); c.110C>G, p.Pro37Arg (NM_001413025.1); and 2 more; short protein forms P37R, P80R.
Identifiers: ClinVar variation 4628979 (VCV004628979.1).